The following is an entry in ClinVar:

ClinVar aggregate classification (germline): Uncertain significance (1 of 4 stars; one submission).

Submission:

Labcorp Genetics (formerly Invitae), Labcorp
Classification: Uncertain significance. Last evaluated: 2022-07-12. Review status: criteria provided, single submitter. Criteria: Invitae Variant Classification Sherloc (09022015). Collection method: clinical testing. Allele origin: germline.
Comment: This sequence change replaces threonine, which is neutral and polar, with proline, which is neutral and non-polar, at codon 1110 of the DCHS1 protein (p.Thr1110Pro). This variant is not present in population databases (gnomAD no frequency). In summary, the available evidence is currently insufficient to determine the role of this variant in disease. Therefore, it has been classified as a Variant of Uncertain Significance. Advanced modeling of protein sequence and biophysical properties (such as structural, functional, and spatial information, amino acid conservation, physicochemical variation, residue mobility, and thermodynamic stability) performed at Invitae indicates that this missense variant is not expected to disrupt DCHS1 protein function. This variant has not been reported in the literature in individuals affected with DCHS1-related conditions.

NM_003737.4(DCHS1):c.3328A>C (p.Thr1110Pro)

Gene: DCHS1 (dachsous cadherin-related 1; minus strand). Cytogenetic location: 11p15.4.
Variant type: single nucleotide variant.
Coding change: c.3328A>C on transcript NM_003737.4 (MANE Select); coding-DNA position 3328, A replaced by C.
Protein change: p.Thr1110Pro; replaces threonine 1110 with proline.
Molecular consequence: missense variant.
Genome position (GRCh38, 1-based): chr11:6,632,184, T>G on the plus strand (A>C on the coding strand, the complement: DCHS1 is on the minus strand). VCF-style: chr11-6632184-T-G. GRCh37 (hg19) VCF-style: chr11-6653415-T-G.
Other names: short protein forms T1110P.
Identifiers: ClinVar variation 2063658 (VCV002063658.4), dbSNP rs2493828604, ClinGen allele CA379415827.